The following is an entry in ClinVar:

ClinVar aggregate classification (germline): Uncertain significance (1 of 4 stars; one submission).

Conditions:
TWIST1-related craniosynostosis (CRS1). Also called: CRANIOSYNOSTOSIS 1. Identifiers: Orphanet 63440, MedGen C4551902, MONDO:0007399, OMIM 123100. Inheritance: Heterogenous inheritance pattern.
Saethre-Chotzen syndrome (SCS). Also called: ACROCEPHALY, SKULL ASYMMETRY, AND MILD SYNDACTYLY; ACS III; CHOTZEN SYNDROME. Identifiers: Orphanet 794, MedGen C0175699, MONDO:0007042, OMIM 101400.

Allele frequency attached by ClinVar (database versions not stated): gnomAD exomes below 0.00001; TOPMed below 0.00001.

Submission:

Labcorp Genetics (formerly Invitae), Labcorp
Classification: Uncertain significance for TWIST1-related craniosynostosis; Saethre-Chotzen syndrome. Last evaluated: 2023-05-15. Review status: criteria provided, single submitter. Criteria: Invitae Variant Classification Sherloc (09022015). Collection method: clinical testing. Allele origin: germline.
Comment: In summary, the available evidence is currently insufficient to determine the role of this variant in disease. Therefore, it has been classified as a Variant of Uncertain Significance. This variant has not been reported in the literature in individuals affected with TWIST1-related conditions. An algorithm developed to predict the effect of missense changes on protein structure and function (PolyPhen-2) suggests that this variant is likely to be disruptive. This sequence change replaces valine, which is neutral and non-polar, with isoleucine, which is neutral and non-polar, at codon 189 of the TWIST1 protein (p.Val189Ile). This variant is not present in population databases (gnomAD no frequency).

NM_000474.4(TWIST1):c.565G>A (p.Val189Ile)

Genes: TWIST1 (twist family bHLH transcription factor 1; minus strand), LOC129998021 (ATAC-STARR-seq lymphoblastoid active region 25682; plus strand). Cytogenetic location: 7p21.1.
Variant type: single nucleotide variant.
Coding change: c.565G>A on transcript NM_000474.4 (MANE Select); coding-DNA position 565, G replaced by A.
Protein change: p.Val189Ile; replaces valine 189 with isoleucine.
Molecular consequence: missense variant. On other transcripts: non-coding transcript variant (1).
Genome position (GRCh38, 1-based): chr7:19,116,757, C>T on the plus strand (G>A on the coding strand, the complement: TWIST1 is on the minus strand). VCF-style: chr7-19116757-C-T. GRCh37 (hg19) VCF-style: chr7-19156380-C-T.
Other names: short protein forms V189I.
Identifiers: ClinVar variation 2940697 (VCV002940697.3), dbSNP rs1788576976, ClinGen allele CA367015157.